The following is an entry in ClinVar:

ClinVar aggregate classification (germline): Uncertain significance (1 of 4 stars; one submission).

gnomAD v4.1: 3 of 1,614,084 alleles (0.00019%); highest among the groups gnomAD compares: African/African-American, 0.0027%; no homozygotes.

Submission:

Ambry Genetics
Classification: Uncertain significance. Last evaluated: 2024-12-29. Review status: criteria provided, single submitter. Criteria: Ambry Variant Classification Scheme 2023. Collection method: clinical testing. Allele origin: germline.
Comment: The p.D1169Y variant (also known as c.3505G>T), located in coding exon 13 of the CDK12 gene, results from a G to T substitution at nucleotide position 3505. The aspartic acid at codon 1169 is replaced by tyrosine, an amino acid with highly dissimilar properties. This amino acid position is conserved. In addition, this alteration is predicted to be tolerated by in silico analysis. Based on the available evidence, the clinical significance of this variant remains unclear.

NM_016507.4(CDK12):c.3505G>T (p.Asp1169Tyr)

Gene: CDK12 (cyclin dependent kinase 12; plus strand). Cytogenetic location: 17q12.
Variant type: single nucleotide variant.
Coding change: c.3505G>T on transcript NM_016507.4 (MANE Select); coding-DNA position 3505, G replaced by T.
Protein change: p.Asp1169Tyr; replaces aspartic acid 1169 with tyrosine.
Molecular consequence: missense variant.
Genome position (GRCh38, 1-based): chr17:39,526,061, G>T. VCF-style: chr17-39526061-G-T. GRCh37 (hg19) VCF-style: chr17-37682314-G-T.
Other names: c.3505G>T, p.Asp1169Tyr (NM_015083.4); short protein forms D1169Y.
Identifiers: ClinVar variation 3830423 (VCV003830423.1).
Genomic context (GRCh38, chr17:39,526,061, plus strand): 5'-CAGCTGGAAGCCCTGAACCAATCCATCAGTGCCCTGACGGAAGCTACTTCCCAGCAGCAG[G>T]ACTCAGAGACCATGGCCCCAGAGGAGTCTTTGAAGGAAGCACCCTCTGCCCCAGTGATCC-3'
Protein context (NP_057591.2, residues 1159-1179): ALTEATSQQQ[Asp1169Tyr]SETMAPEESL